The following is an entry in ClinVar:

ClinVar aggregate classification (germline): Conflicting classifications of pathogenicity. Review status: criteria provided, conflicting classifications (1 of 4 stars). 6 submissions from 6 submitters: Uncertain significance (4); Likely benign (2). Last evaluated 2026-02-04.

Conditions:
Familial thoracic aortic aneurysm and aortic dissection (TAAD). Also called: Thoracic aortic aneurysms and dissections. Identifiers: Orphanet 91387, MedGen C4707243, MONDO:0019625.
Aortic aneurysm, familial thoracic 4 (AAT4). Also called: AORTIC ANEURYSM/AORTIC DISSECTION AND PATENT DUCTUS ARTERIOSUS. Identifiers: MedGen C1851504, MONDO:0007568, OMIM 132900.

Allele frequency attached by ClinVar (database versions not stated): gnomAD 0.00001; TOPMed 0.00001; gnomAD exomes 0.00002 and 0.00006; ExAC 0.00008.
gnomAD v4.1: 36 of 1,613,922 alleles (0.0022%); highest among the groups gnomAD compares: Non-Finnish European, 0.001%; no homozygotes.

Submissions (6):

Ambry Genetics
Classification: Likely benign for Familial thoracic aortic aneurysm and aortic dissection. Last evaluated: 2026-02-04. Review status: criteria provided, single submitter. Criteria: Ambry Variant Classification Scheme 2023. Collection method: clinical testing. Allele origin: germline.

Blueprint Genetics
Classification: Likely benign. Last evaluated: 2024-11-20. Review status: criteria provided, single submitter. Criteria: ACMG Guidelines, 2015. Collection method: clinical testing. Allele origin: germline.

Color Diagnostics, LLC DBA Color Health
Classification: Uncertain significance for Familial thoracic aortic aneurysm and aortic dissection. Last evaluated: 2024-03-06. Review status: criteria provided, single submitter. Criteria: ACMG Guidelines, 2015. Collection method: clinical testing. Allele origin: germline.
Comment: This missense variant replaces isoleucine with threonine at codon 21 of the MYH11 protein. Computational prediction suggests that this variant may not impact protein structure and function (internally defined REVEL score threshold <= 0.5, PMID: 27666373). To our knowledge, functional studies have not been reported for this variant. This variant has not been reported in individuals affected with cardiovascular disorders in the literature. This variant has been identified in 17/281330 chromosomes in the general population by the Genome Aggregation Database (gnomAD). The available evidence is insufficient to determine the role of this variant in disease conclusively. Therefore, this variant is classified as a Variant of Uncertain Significance.

All of Us Research Program, National Institutes of Health
Classification: Uncertain significance for Familial thoracic aortic aneurysm and aortic dissection. Last evaluated: 2024-02-22. Review status: criteria provided, single submitter. Criteria: ACMG Guidelines, 2015. Collection method: clinical testing. Allele origin: germline. Inheritance: Autosomal dominant inheritance. Observed: 5 variant alleles, 5 heterozygotes.
Comment: This missense variant replaces isoleucine with threonine at codon 21 of the MYH11 protein. Computational prediction suggests that this variant may not impact protein structure and function (internally defined REVEL score threshold <= 0.5, PMID: 27666373). To our knowledge, functional studies have not been reported for this variant. This variant has not been reported in individuals affected with cardiovascular disorders in the literature. This variant has been identified in 17/281330 chromosomes in the general population by the Genome Aggregation Database (gnomAD). The available evidence is insufficient to determine the role of this variant in disease conclusively. Therefore, this variant is classified as a Variant of Uncertain Significance.

This study involves interpretation of variants in research participants for the purpose of population health screening. Participant phenotype was not available at the time of variant classification. Additional details can be found in publication PMID: 35346344, PMCID: PMC8962531

Labcorp Genetics (formerly Invitae), Labcorp
Classification: Uncertain significance for Aortic aneurysm, familial thoracic 4. Last evaluated: 2024-02-20. Review status: criteria provided, single submitter. Criteria: Invitae Variant Classification Sherloc (09022015). Collection method: clinical testing. Allele origin: germline.
Comment: This sequence change replaces isoleucine, which is neutral and non-polar, with threonine, which is neutral and polar, at codon 21 of the MYH11 protein (p.Ile21Thr). This variant is present in population databases (rs777372840, gnomAD 0.03%). This variant has not been reported in the literature in individuals affected with MYH11-related conditions. ClinVar contains an entry for this variant (Variation ID: 853043). Advanced modeling of protein sequence and biophysical properties (such as structural, functional, and spatial information, amino acid conservation, physicochemical variation, residue mobility, and thermodynamic stability) performed at Invitae indicates that this missense variant is not expected to disrupt MYH11 protein function with a negative predictive value of 95%. In summary, the available evidence is currently insufficient to determine the role of this variant in disease. Therefore, it has been classified as a Variant of Uncertain Significance.

Women's Health and Genetics/Laboratory Corporation of America, LabCorp
Classification: Uncertain significance. Last evaluated: 2024-01-29. Review status: criteria provided, single submitter. Criteria: LabCorp Variant Classification Summary - May 2015. Collection method: clinical testing. Allele origin: germline.
Comment: Variant summary: MYH11 c.62T>C (p.Ile21Thr) results in a non-conservative amino acid change in the encoded protein sequence. Four of five in-silico tools predict a benign effect of the variant on protein function. The variant allele was found at a frequency of 2.2e-05 in 1613922 control chromosomes (gnomAD). The observed variant frequency is approximately 18 fold of the estimated maximal expected allele frequency for a pathogenic variant in MYH11 causing Aortopathy phenotype (1.3e-06), strongly suggesting that the variant is benign. To our knowledge, no occurrence of c.62T>C in individuals affected with Aortopathy and no experimental evidence demonstrating its impact on protein function have been reported. ClinVar contains an entry for this variant (Variation ID: 853043). Based on the evidence outlined above, the variant was classified as uncertain significance.

NM_002474.3(MYH11):c.62T>C (p.Ile21Thr)

Gene: MYH11 (myosin heavy chain 11; minus strand). Cytogenetic location: 16p13.11.
Variant type: single nucleotide variant.
Coding change: c.62T>C on transcript NM_002474.3 (MANE Select); coding-DNA position 62, T replaced by C.
Protein change: p.Ile21Thr; replaces isoleucine 21 with threonine.
Molecular consequence: missense variant.
Genome position (GRCh38, 1-based): chr16:15,838,191, A>G on the plus strand (T>C on the coding strand, the complement: MYH11 is on the minus strand). VCF-style: chr16-15838191-A-G. GRCh37 (hg19) VCF-style: chr16-15932048-A-G.
Other names: c.62T>C, p.Ile21Thr (NM_001040113.2, NM_001040114.2, NM_022844.3); c.62T>C (NM_002474.2); short protein forms I21T.
Identifiers: ClinVar variation 853043 (VCV000853043.18), dbSNP rs777372840, ClinGen allele CA7923126.
Genomic context (GRCh38, chr16:15,838,191, plus strand): 5'-TCCGAGGGGACCCAGACGAGTCTCTTGGCGGCCCAGTCAGCCTGGGCCACTGGGCTGTTG[A>G]TGAAGTTTTTGTCCACAAAGAGGAACTTCTCATCGTCACTGAGTTGGCCCTTCTGCGCCA-3'
Protein context (NP_002465.1, residues 11-31): EKFLFVDKNF[Ile21Thr]NSPVAQADWA